The following is an entry in ClinVar:

ClinVar aggregate classification (germline): Uncertain significance (1 of 4 stars; one submission).

Conditions:
Epidermolysis bullosa simplex 5B, with muscular dystrophy (EBS5B). Also called: EPIDERMOLYSIS BULLOSA SIMPLEX AND LIMB-GIRDLE MUSCULAR DYSTROPHY; Epidermolysis bullosa simplex with muscular dystrophy. Identifiers: Orphanet 257, MedGen C2931072, MONDO:0009181, OMIM 226670.
Epidermolysis bullosa simplex with nail dystrophy (EBS5D). Identifiers: MedGen C4225309, MONDO:0014661, OMIM 616487.
Epidermolysis bullosa simplex, Ogna type (EBS5A). Also called: EPIDERMOLYSIS BULLOSA SIMPLEX 5A, OGNA TYPE; Pidermolysis bullosa simplex 5A, Ogna type. Identifiers: Orphanet 79401, MedGen C0432317, MONDO:0007555, OMIM 131950.
Autosomal recessive limb-girdle muscular dystrophy type 2Q (LGMDR17). Also called: MUSCULAR DYSTROPHY, LIMB-GIRDLE, AUTOSOMAL RECESSIVE 17. Identifiers: Orphanet 254361, MedGen C3150989, MONDO:0013390, OMIM 613723.
Epidermolysis bullosa simplex 5C, with pyloric atresia (EBS5C). Also called: Epidermolysis bullosa simplex with pyloric atresia; PLEC-Related Epidermolysis Bullosa with Pyloric Atresia; PLEC1-Related Epidermolysis Bullosa with Pyloric Atresia. Identifiers: Orphanet 158684, MedGen C2677349, MONDO:0012807, OMIM 612138.

Allele frequency attached by ClinVar (database versions not stated): gnomAD 0.00001; TOPMed 0.00001; gnomAD exomes 0.00002 and 0.00003; ExAC 0.00009.
gnomAD v4.1: 29 of 1,552,894 alleles (0.0019%); highest among the groups gnomAD compares: South Asian, 0.0093%; no homozygotes.

Submission:

Labcorp Genetics (formerly Invitae), Labcorp
Classification: Uncertain significance for Autosomal recessive limb-girdle muscular dystrophy type 2Q; Epidermolysis bullosa simplex, Ogna type; Epidermolysis bullosa simplex with nail dystrophy; Epidermolysis bullosa simplex 5C, with pyloric atresia; Epidermolysis bullosa simplex 5B, with muscular dystrophy. Last evaluated: 2022-04-11. Review status: criteria provided, single submitter. Criteria: Invitae Variant Classification Sherloc (09022015). Collection method: clinical testing. Allele origin: germline.
Comment: This sequence change replaces glutamic acid, which is acidic and polar, with lysine, which is basic and polar, at codon 1557 of the PLEC protein (p.Glu1557Lys). This variant is present in population databases (rs530048576, gnomAD 0.009%). This variant has not been reported in the literature in individuals affected with PLEC-related conditions. ClinVar contains an entry for this variant (Variation ID: 946428). Algorithms developed to predict the effect of missense changes on protein structure and function are either unavailable or do not agree on the potential impact of this missense change (SIFT: "Deleterious"; PolyPhen-2: "Not Available"; Align-GVGD: "Class C15"). In summary, the available evidence is currently insufficient to determine the role of this variant in disease. Therefore, it has been classified as a Variant of Uncertain Significance.

NM_201384.3(PLEC):c.4588G>A (p.Glu1530Lys)

Gene: PLEC (plectin; minus strand). Cytogenetic location: 8q24.3.
Variant type: single nucleotide variant.
Coding change: c.4588G>A on transcript NM_201384.3 (MANE Select); coding-DNA position 4588, G replaced by A.
Protein change: p.Glu1530Lys; replaces glutamic acid 1530 with lysine.
Molecular consequence: missense variant.
Genome position (GRCh38, 1-based): chr8:143,925,341, C>T on the plus strand (G>A on the coding strand, the complement: PLEC is on the minus strand). VCF-style: chr8-143925341-C-T. GRCh37 (hg19) VCF-style: chr8-144999509-C-T.
Other names: c.4669G>A, p.Glu1557Lys (NM_000445.5); c.4546G>A, p.Glu1516Lys (NM_201378.4); c.4522G>A, p.Glu1508Lys (NM_201379.3); c.4999G>A, p.Glu1667Lys (NM_201380.4); c.4492G>A, p.Glu1498Lys (NM_201381.3); c.4588G>A, p.Glu1530Lys (NM_201382.4); c.4600G>A, p.Glu1534Lys (NM_201383.3); short protein forms E1498K, E1508K, E1534K, E1667K, E1557K, E1516K, E1530K.
Identifiers: ClinVar variation 946428 (VCV000946428.6), dbSNP rs530048576, ClinGen allele CA4926606.
Genomic context (GRCh38, chr8:143,925,341, plus strand): 5'-GCTCCGCCTCCTCCGCCTGCAGCCGCAGCTCCTCCAGGGCCTGCAGGGCCCGCTGCTTCT[C>T]GCGCGCCGCCTCGGCCTCGGCCTTCACGCGCGAGGCCAGCTCCACCTCCGCCTGCCGCTT-3'
Protein context (NP_958786.1, residues 1520-1540): RVKAEAEAAR[Glu1530Lys]KQRALQALEE